The following is an entry in ClinVar:

NM_000485.3(APRT):c.16_17inv (p.Leu6Arg)

Genes: APRT (adenine phosphoribosyltransferase; minus strand), LOC130059760 (ATAC-STARR-seq lymphoblastoid silent region 7879; plus strand). Cytogenetic location: 16q24.3.
Variant type: Inversion.
Coding change: c.16_17inv on transcript NM_000485.3 (MANE Select).
Protein change: p.Leu6Arg; replaces leucine 6 with arginine.
Molecular consequence: missense variant.
Genome position: GRCh38 VCF-style: chr16-88811883-AG-CT. GRCh37 (hg19) VCF-style: chr16-88878291-AG-CT.
Other names: c.16_17inv, p.Leu6Arg (NM_001030018.2); short protein forms L6R.
Identifiers: ClinVar variation 1995501 (VCV001995501.4), ClinGen allele CA2580092227.
Genomic context (GRCh38, chr16:88,811,883, plus strand): 5'-AATACCACGCCTGGGGTGGGGAAGTCGGGGAAGCTGCGGATCCGCTGCTCAACCAGCTGC[AG>CT]CTCGGAGTCGGCCATGGCCGCGTGCGAAGAGCCAGCGGCAGCCCGAGCGCGCCTGCGCGG-3'
Protein context (NP_000476.1, residues 1-16): MADSE[Leu6Arg]QLVEQRIRSF

ClinVar aggregate classification (germline): Uncertain significance (1 of 4 stars; one submission).

Submission:

Labcorp Genetics (formerly Invitae), Labcorp
Classification: Uncertain significance. Last evaluated: 2025-04-28. Review status: criteria provided, single submitter. Criteria: Invitae Variant Classification Sherloc (09022015). Collection method: clinical testing. Allele origin: germline.
Comment: This sequence change replaces leucine, which is neutral and non-polar, with arginine, which is basic and polar, at codon 6 of the APRT protein (p.Leu6Arg). Information on the frequency of this variant in the gnomAD database is not available, as this variant may be reported differently in the database. This variant has not been reported in the literature in individuals affected with APRT-related conditions. ClinVar contains an entry for this variant (Variation ID: 1995501). An algorithm developed to predict the effect of missense changes on protein structure and function (PolyPhen-2) suggests that this variant is likely to be tolerated. In summary, the available evidence is currently insufficient to determine the role of this variant in disease. Therefore, it has been classified as a Variant of Uncertain Significance.